The following is an entry in ClinVar:

NM_152468.5(TMC8):c.2083G>A (p.Val695Ile)

Gene: TMC8 (transmembrane channel like 8; plus strand). Cytogenetic location: 17q25.3.
Variant type: single nucleotide variant.
Coding change: c.2083G>A on transcript NM_152468.5 (MANE Select); coding-DNA position 2083, G replaced by A.
Protein change: p.Val695Ile; replaces valine 695 with isoleucine.
Molecular consequence: missense variant.
Genome position (GRCh38, 1-based): chr17:78,141,014, G>A. VCF-style: chr17-78141014-G-A. GRCh37 (hg19) VCF-style: chr17-76137095-G-A.
Other names: short protein forms V695I.
Identifiers: ClinVar variation 1061822 (VCV001061822.8), dbSNP rs752088229, ClinGen allele CA8797125.

ClinVar aggregate classification (germline): Uncertain significance (1 of 4 stars; one submission).

Conditions:
Epidermodysplasia verruciformis. Identifiers: Orphanet 302, MedGen C0014522, MONDO:0009176.

Allele frequency attached by ClinVar (database versions not stated): gnomAD exomes below 0.00001; TOPMed below 0.00001; gnomAD 0.00001; ExAC 0.00002.
gnomAD v4.1: 8 of 1,598,786 alleles (0.0005%); highest among the groups gnomAD compares: African/African-American, 0.0054%; no homozygotes.

Submission:

Labcorp Genetics (formerly Invitae), Labcorp
Classification: Uncertain significance for Epidermodysplasia verruciformis. Last evaluated: 2025-01-06. Review status: criteria provided, single submitter. Criteria: Invitae Variant Classification Sherloc (09022015). Collection method: clinical testing. Allele origin: germline.
Comment: This sequence change replaces valine, which is neutral and non-polar, with isoleucine, which is neutral and non-polar, at codon 695 of the TMC8 protein (p.Val695Ile). This variant is present in population databases (rs752088229, gnomAD 0.001%). This variant has not been reported in the literature in individuals affected with TMC8-related conditions. ClinVar contains an entry for this variant (Variation ID: 1061822). An algorithm developed to predict the effect of missense changes on protein structure and function (PolyPhen-2) suggests that this variant is likely to be tolerated. In summary, the available evidence is currently insufficient to determine the role of this variant in disease. Therefore, it has been classified as a Variant of Uncertain Significance.